The following is an entry in ClinVar:

ClinVar aggregate classification (germline): Likely pathogenic (1 of 4 stars; one submission).

Conditions:
Cryopyrin associated periodic syndrome (CAPS). Identifiers: Orphanet 208650, MedGen C2316212, MONDO:0016168.

Submission:

Labcorp Genetics (formerly Invitae), Labcorp
Classification: Likely pathogenic for Cryopyrin associated periodic syndrome. Last evaluated: 2022-11-08. Review status: criteria provided, single submitter. Criteria: Invitae Variant Classification Sherloc (09022015). Collection method: clinical testing. Allele origin: germline.
Comment: In summary, the currently available evidence indicates that the variant is pathogenic, but additional data are needed to prove that conclusively. Therefore, this variant has been classified as Likely Pathogenic. This variant disrupts the p.Glu569 amino acid residue in NLRP3. Other variant(s) that disrupt this residue have been determined to be pathogenic (PMID: 18063752, 21702021, 25584041, 29163488). This suggests that this residue is clinically significant, and that variants that disrupt this residue are likely to be disease-causing. Advanced modeling of protein sequence and biophysical properties (such as structural, functional, and spatial information, amino acid conservation, physicochemical variation, residue mobility, and thermodynamic stability) performed at Invitae indicates that this missense variant is expected to disrupt NLRP3 protein function. ClinVar contains an entry for this variant (Variation ID: 1487108). This missense change has been observed in individual(s) with a systemic auto-inflammatory disorders (PMID: 26386126). This variant is not present in population databases (gnomAD no frequency). This sequence change replaces glutamic acid, which is acidic and polar, with alanine, which is neutral and non-polar, at codon 569 of the NLRP3 protein (p.Glu569Ala).

Literature cited by the submitters: PubMed 18063752; PubMed 21702021; PubMed 25584041; PubMed 29163488; PubMed 26386126.

NM_001243133.2(NLRP3):c.1700A>C (p.Glu567Ala)

Gene: NLRP3 (NLR family pyrin domain containing 3; plus strand). Cytogenetic location: 1q44.
Variant type: single nucleotide variant.
Coding change: c.1700A>C on transcript NM_001243133.2 (MANE Select); coding-DNA position 1700, A replaced by C.
Protein change: p.Glu567Ala; replaces glutamic acid 567 with alanine.
Molecular consequence: missense variant.
Genome position (GRCh38, 1-based): chr1:247,425,149, A>C. VCF-style: chr1-247425149-A-C. GRCh37 (hg19) VCF-style: chr1-247588451-A-C.
Other names: c.1700A>C, p.Glu567Ala (NM_001079821.3, NM_001127461.3, NM_001127462.3 and 1 more transcripts); c.1706A>C, p.Glu569Ala (NM_004895.5); short protein forms E569A, E567A.
Identifiers: ClinVar variation 1487108 (VCV001487108.8), dbSNP rs2103112233, ClinGen allele CA345557621.